The following is an entry in ClinVar:

ClinVar aggregate classification (germline): Uncertain significance (1 of 4 stars; one submission).

Conditions:
Carnitine palmitoyl transferase 1A deficiency. Also called: Carnitine palmitoyltransferase 1A deficiency; Carnitine palmitoyltransferase type I deficiency; CPT I DEFICIENCY; CPT DEFICIENCY, HEPATIC, TYPE I; CPT deficiency, hepatic, type IA. Identifiers: Orphanet 156, MedGen C1829703, MONDO:0009705, OMIM 255120.

Submission:

Labcorp Genetics (formerly Invitae), Labcorp
Classification: Uncertain significance for Carnitine palmitoyl transferase 1A deficiency. Last evaluated: 2019-03-28. Review status: criteria provided, single submitter. Criteria: Invitae Variant Classification Sherloc (09022015). Collection method: clinical testing. Allele origin: germline.
Comment: In summary, the available evidence is currently insufficient to determine the role of this variant in disease. Therefore, it has been classified as a Variant of Uncertain Significance. Algorithms developed to predict the effect of missense changes on protein structure and function (SIFT, PolyPhen-2, Align-GVGD) all suggest that this variant is likely to be tolerated, but these predictions have not been confirmed by published functional studies and their clinical significance is uncertain. This variant has not been reported in the literature in individuals with CPT1A-related conditions. This variant is not present in population databases (ExAC no frequency). This sequence change replaces phenylalanine with leucine at codon 765 of the CPT1A protein (p.Phe765Leu). The phenylalanine residue is moderately conserved and there is a small physicochemical difference between phenylalanine and leucine.

NM_001876.4(CPT1A):c.2293T>C (p.Phe765Leu)

Gene: CPT1A (carnitine palmitoyltransferase 1A; minus strand). Cytogenetic location: 11q13.3.
Variant type: single nucleotide variant.
Coding change: c.2293T>C on transcript NM_001876.4 (MANE Select); coding-DNA position 2293, T replaced by C.
Protein change: p.Phe765Leu; replaces phenylalanine 765 with leucine.
Molecular consequence: missense variant. On other transcripts: intron variant (1).
Genome position (GRCh38, 1-based): chr11:68,757,673, A>G on the plus strand (T>C on the coding strand, the complement: CPT1A is on the minus strand). VCF-style: chr11-68757673-A-G. GRCh37 (hg19) VCF-style: chr11-68525141-A-G.
Other names: c.2235+1896T>C (NM_001031847.3); short protein forms F765L.
Identifiers: ClinVar variation 834217 (VCV000834217.9), dbSNP rs1946717191, ClinGen allele CA381624705.